The following is an entry in ClinVar:

ClinVar aggregate classification (germline): Uncertain significance. Review status: criteria provided, multiple submitters, no conflicts (2 of 4 stars). 2 submissions from 2 submitters: Uncertain significance (2). Last evaluated 2024-04-23.

Conditions:
Inborn genetic diseases. Identifiers: MedGen C0950123, MeSH D030342.
Giant axonal neuropathy 1 (GAN1). Also called: GAN-Related Neurodegeneration; GIANT AXONAL NEUROPATHY 1, AUTOSOMAL RECESSIVE. Identifiers: Orphanet 643, MedGen C1850386, MONDO:0009749, OMIM 256850.

Allele frequency attached by ClinVar (database versions not stated): ESP Exome Variant Server 0.00008; TOPMed 0.00008.
gnomAD v4.1: 23 of 1,612,670 alleles (0.0014%); highest among the groups gnomAD compares: African/African-American, 0.029%; no homozygotes.

Submissions (2):

Ambry Genetics
Classification: Uncertain significance for Inborn genetic diseases. Last evaluated: 2024-04-23. Review status: criteria provided, single submitter. Criteria: Ambry Variant Classification Scheme 2023. Collection method: clinical testing. Allele origin: germline.

Labcorp Genetics (formerly Invitae), Labcorp
Classification: Uncertain significance for Giant axonal neuropathy 1. Last evaluated: 2022-05-22. Review status: criteria provided, single submitter. Criteria: Invitae Variant Classification Sherloc (09022015). Collection method: clinical testing. Allele origin: germline.
Comment: This sequence change replaces aspartic acid, which is acidic and polar, with asparagine, which is neutral and polar, at codon 395 of the GAN protein (p.Asp395Asn). This variant is present in population databases (rs142456623, gnomAD 0.02%). This variant has not been reported in the literature in individuals affected with GAN-related conditions. ClinVar contains an entry for this variant (Variation ID: 861336). Algorithms developed to predict the effect of missense changes on protein structure and function are either unavailable or do not agree on the potential impact of this missense change (SIFT: "Deleterious"; PolyPhen-2: "Possibly Damaging"; Align-GVGD: "Class C0"). In summary, the available evidence is currently insufficient to determine the role of this variant in disease. Therefore, it has been classified as a Variant of Uncertain Significance.

NM_022041.4(GAN):c.1183G>A (p.Asp395Asn)

Gene: GAN (gigaxonin; plus strand). Cytogenetic location: 16q23.2.
Variant type: single nucleotide variant.
Coding change: c.1183G>A on transcript NM_022041.4 (MANE Select); coding-DNA position 1183, G replaced by A.
Protein change: p.Asp395Asn; replaces aspartic acid 395 with asparagine.
Molecular consequence: missense variant.
Genome position (GRCh38, 1-based): chr16:81,363,890, G>A. VCF-style: chr16-81363890-G-A. GRCh37 (hg19) VCF-style: chr16-81397495-G-A.
Other names: c.544G>A, p.Asp182Asn (NM_001377486.1); short protein forms D395N, D182N.
Identifiers: ClinVar variation 861336 (VCV000861336.7), dbSNP rs142456623, ClinGen allele CA8191642.